The following is an entry in ClinVar:

ClinVar aggregate classification (germline): Conflicting classifications of pathogenicity. Review status: criteria provided, conflicting classifications (1 of 4 stars). 2 submissions from 2 submitters: Likely pathogenic (1); Uncertain significance (1). Last evaluated 2025-03-04.

gnomAD v4.1: 1 of 1,611,292 alleles (0.000062%); highest among the groups gnomAD compares: Non-Finnish European, 0.000085%; no homozygotes.

Submissions (2):

Labcorp Genetics (formerly Invitae), Labcorp
Classification: Likely pathogenic. Last evaluated: 2025-03-04. Review status: criteria provided, single submitter. Criteria: Invitae Variant Classification Sherloc (09022015). Collection method: clinical testing. Allele origin: germline.
Comment: This sequence change affects a donor splice site in intron 1 of the TRAK1 gene. It is expected to disrupt RNA splicing. Variants that disrupt the donor or acceptor splice site typically lead to a loss of protein function (PMID: 16199547), and loss-of-function variants in TRAK1 are known to be pathogenic (PMID: 28364549, 28940097). This variant is not present in population databases (gnomAD no frequency). This variant has not been reported in the literature in individuals affected with TRAK1-related conditions. Algorithms developed to predict the effect of sequence changes on RNA splicing suggest that this variant may disrupt the consensus splice site. In summary, the currently available evidence indicates that the variant is pathogenic, but additional data are needed to prove that conclusively. Therefore, this variant has been classified as Likely Pathogenic.

Blueprint Genetics
Classification: Uncertain significance. Last evaluated: 2022-01-24. Review status: criteria provided, single submitter. Criteria: ACMG Guidelines, 2015. Collection method: clinical testing. Allele origin: germline.

Literature cited by the submitters: PubMed 16199547 (cited by Labcorp Genetics (formerly Invitae), Labcorp); PubMed 28364549 (cited by Labcorp Genetics (formerly Invitae), Labcorp); PubMed 28940097 (cited by Labcorp Genetics (formerly Invitae), Labcorp).

NM_001042646.3(TRAK1):c.91+1G>A

Gene: TRAK1 (trafficking kinesin protein 1; plus strand). Cytogenetic location: 3p22.1.
Variant type: single nucleotide variant.
Coding change: c.91+1G>A on transcript NM_001042646.3 (MANE Select); the canonical splice donor site of the intron after coding-DNA position 91, G replaced by A.
Molecular consequence: splice donor variant. On other transcripts: intron variant (1).
Genome position (GRCh38, 1-based): chr3:42,091,561, G>A. VCF-style: chr3-42091561-G-A. GRCh37 (hg19) VCF-style: chr3-42133053-G-A.
Other names: c.-222+4161G>A (NM_001349245.1); c.91+1G>A (NM_001349247.2, NM_001349246.2, NM_001265608.2).
Identifiers: ClinVar variation 3683039 (VCV003683039.3).
Genomic context (GRCh38, chr3:42,091,561, plus strand): 5'-TCAGGGCTCAGCCTCTGCCAGGACTCTGCCACGGCAAGCTCATTCGGACAAACGCCTGTG[G>A]TAAGTTTGTTTGCCAGGTCTGTCTGCTGTCTGTTTTCTTTGTGGTGTGGTCGGAAAGGAG-3'